The following is an entry in ClinVar:

ClinVar aggregate classification (germline): Likely benign (1 of 4 stars; one submission).

Submission:

CeGaT Center for Human Genetics Tuebingen
Classification: Likely benign. Last evaluated: 2025-08-01. Review status: criteria provided, single submitter. Criteria: CeGaT Center For Human Genetics Tuebingen Variant Classification Criteria Version 2. Collection method: clinical testing. Allele origin: germline. Affected: yes. Observed: 1 variant allele.
Comment: GPC3: PM2:Supporting, BP4, BP7

NM_004484.4(GPC3):c.837T>C (p.Asn279=)

Gene: GPC3 (glypican 3; minus strand). Cytogenetic location: Xq26.2.
Variant type: single nucleotide variant.
Coding change: c.837T>C on transcript NM_004484.4 (MANE Select); coding-DNA position 837, T replaced by C.
Protein change: p.Asn279=; no amino-acid change (asparagine 279 retained).
Molecular consequence: synonymous variant.
Genome position (GRCh38, 1-based): chrX:133,753,677, A>G on the plus strand (T>C on the coding strand, the complement: GPC3 is on the minus strand). VCF-style: chrX-133753677-A-G. GRCh37 (hg19) VCF-style: chrX-132887704-A-G.
Other names: c.837T>C, p.Asn279= (NM_001164617.2); c.789T>C, p.Asn263= (NM_001164618.2); c.675T>C, p.Asn225= (NM_001164619.2).
Identifiers: ClinVar variation 4085805 (VCV004085805.8).